The following is an entry in ClinVar:

NM_144687.4(NLRP12):c.1746G>T (p.Lys582Asn)

Gene: NLRP12 (NLR family pyrin domain containing 12; minus strand). Cytogenetic location: 19q13.42.
Variant type: single nucleotide variant.
Coding change: c.1746G>T on transcript NM_144687.4 (MANE Select); coding-DNA position 1746, G replaced by T.
Protein change: p.Lys582Asn; replaces lysine 582 with asparagine.
Molecular consequence: missense variant.
Genome position (GRCh38, 1-based): chr19:53,809,913, C>A on the plus strand (G>T on the coding strand, the complement: NLRP12 is on the minus strand). VCF-style: chr19-53809913-C-A. GRCh37 (hg19) VCF-style: chr19-54313167-C-A.
Other names: c.1746G>T, p.Lys582Asn (NM_001277126.2, NM_001277129.1); short protein forms K582N.
Identifiers: ClinVar variation 2854836 (VCV002854836.3), dbSNP rs1282022845, ClinGen allele CA407412749.

ClinVar aggregate classification (germline): Uncertain significance (1 of 4 stars; one submission).

Conditions:
Familial cold autoinflammatory syndrome 2 (FCAS2). Identifiers: Orphanet 247868, MedGen C2673198, MONDO:0012724, OMIM 611762.

Submission:

Labcorp Genetics (formerly Invitae), Labcorp
Classification: Uncertain significance for Familial cold autoinflammatory syndrome 2. Last evaluated: 2023-09-20. Review status: criteria provided, single submitter. Criteria: Invitae Variant Classification Sherloc (09022015). Collection method: clinical testing. Allele origin: germline.
Comment: In summary, the available evidence is currently insufficient to determine the role of this variant in disease. Therefore, it has been classified as a Variant of Uncertain Significance. Advanced modeling of protein sequence and biophysical properties (such as structural, functional, and spatial information, amino acid conservation, physicochemical variation, residue mobility, and thermodynamic stability) performed at Invitae indicates that this missense variant is not expected to disrupt NLRP12 protein function. This variant has not been reported in the literature in individuals affected with NLRP12-related conditions. This variant is not present in population databases (gnomAD no frequency). This sequence change replaces lysine, which is basic and polar, with asparagine, which is neutral and polar, at codon 582 of the NLRP12 protein (p.Lys582Asn).